The following is an entry in ClinVar:

ClinVar aggregate classification (germline): Uncertain significance (1 of 4 stars; one submission).

Submission:

Athena Diagnostics
Classification: Uncertain significance. Last evaluated: 2024-08-07. Review status: criteria provided, single submitter. Criteria: Athena Diagnostics Criteria. Collection method: clinical testing. Allele origin: unknown.
Comment: Available data are insufficient to determine the clinical significance of the variant at this time. This variant has not been reported in large, multi-ethnic general populations. Polyphen and MutationTaster yielded discordant predictions regarding whether this amino acid change is damaging to the protein.

NM_182961.4(SYNE1):c.11770C>G (p.His3924Asp)

Gene: SYNE1 (spectrin repeat containing nuclear envelope protein 1; minus strand). Cytogenetic location: 6q25.2.
Variant type: single nucleotide variant.
Coding change: c.11770C>G on transcript NM_182961.4 (MANE Select); coding-DNA position 11770, C replaced by G.
Protein change: p.His3924Asp; replaces histidine 3924 with aspartic acid.
Molecular consequence: missense variant. On other transcripts: intron variant (1).
Genome position (GRCh38, 1-based): chr6:152,350,299, G>C on the plus strand (C>G on the coding strand, the complement: SYNE1 is on the minus strand). VCF-style: chr6-152350299-G-C. GRCh37 (hg19) VCF-style: chr6-152671434-G-C.
Other names: c.11688+319C>G (NM_033071.5); short protein forms H3924D.
Identifiers: ClinVar variation 3571681 (VCV003571681.1).
Genomic context (GRCh38, chr6:152,350,299, plus strand): 5'-TGCCAGACATCTGCAGCAGCCACTTTTCGACCTCTTGGAGCTCACTGTTGTAGTCTTCAT[G>C]GTCTTTGACTTTCGCCTCCAGACTGAAGACATGCTCCTGCAAAACCAGGTGTCCATCAGA-3'
Protein context (NP_892006.3, residues 3914-3934): VFSLEAKVKD[His3924Asp]EDYNSELQEV